The following is an entry in ClinVar:

ClinVar aggregate classification (germline): Benign/Likely benign. Review status: criteria provided, multiple submitters, no conflicts (2 of 4 stars). 5 submissions from 5 submitters: Benign (1); Likely benign (4). Last evaluated 2025-06-01.

Conditions:
Hyperthyroxinemia, dystransthyretinemic. Also called: HYPERTHYROXINEMIA, DYSPREALBUMINEMIC; EUTHRYROIDAL HYPERTHYROXINEMIA 2. Identifiers: MedGen C2750824, MONDO:0007785, OMIM 145680.
Carpal tunnel syndrome 1 (CTS1). Also called: Carpal tunnel syndrome, familial. Identifiers: MedGen C5779776, MONDO:0020730, OMIM 115430.
Amyloidosis, hereditary systemic 1 (AMYLD1). Also called: Hereditary oculoleptomeningeal amyloid angiopathy; Familial Transthyretin Amyloidosis; AMYLOID CARDIOMYOPATHY; Transthyretin Amyloidosis; Hereditary Transthyretin Amyloidosis; Isolated Cardiac Amyloidosis. Identifiers: Orphanet 85447, Orphanet 85451, MedGen C2751492, MONDO:0971004, OMIM 105210.
Cardiovascular phenotype. Identifiers: MedGen CN230736.

Allele frequency attached by ClinVar (database versions not stated): gnomAD 0.00001; gnomAD exomes 0.00001; TOPMed 0.00001.

Submissions (5):

CeGaT Center for Human Genetics Tuebingen
Classification: Likely benign. Last evaluated: 2025-06-01. Review status: criteria provided, single submitter. Criteria: CeGaT Center For Human Genetics Tuebingen Variant Classification Criteria Version 2. Collection method: clinical testing. Allele origin: germline. Affected: yes. Observed: 1 variant allele.
Comment: TTR: BP4

Labcorp Genetics (formerly Invitae), Labcorp
Classification: Likely benign for Amyloidosis, hereditary systemic 1. Last evaluated: 2025-03-04. Review status: criteria provided, single submitter. Criteria: Invitae Variant Classification Sherloc (09022015). Collection method: clinical testing. Allele origin: germline.

Ambry Genetics
Classification: Likely benign for Cardiovascular phenotype. Last evaluated: 2024-03-17. Review status: criteria provided, single submitter. Criteria: Ambry Variant Classification Scheme 2023. Collection method: clinical testing. Allele origin: germline.

Fulgent Genetics
Classification: Likely benign for Amyloidosis, hereditary systemic 1; Carpal tunnel syndrome 1; Hyperthyroxinemia, dystransthyretinemic. Last evaluated: 2022-04-06. Review status: criteria provided, single submitter. Criteria: ACMG Guidelines, 2015. Collection method: clinical testing. Allele origin: unknown.

GeneDx
Classification: Benign. Last evaluated: 2016-11-01. Review status: criteria provided, single submitter. Criteria: GeneDx Variant Classification Process June 2021. Collection method: clinical testing. Allele origin: germline. Affected: yes.

NM_000371.4(TTR):c.40C>T (p.Leu14=)

Gene: TTR (transthyretin; plus strand). Cytogenetic location: 18q12.1.
Variant type: single nucleotide variant.
Coding change: c.40C>T on transcript NM_000371.4 (MANE Select); coding-DNA position 40, C replaced by T.
Protein change: p.Leu14=; no amino-acid change (leucine 14 retained).
Molecular consequence: synonymous variant.
Genome position (GRCh38, 1-based): chr18:31,591,942, C>T. VCF-style: chr18-31591942-C-T. GRCh37 (hg19) VCF-style: chr18-29171905-C-T.
Identifiers: ClinVar variation 1119640 (VCV001119640.21), dbSNP rs1347695561, ClinGen allele CA503609273.
Genomic context (GRCh38, chr18:31,591,942, plus strand): 5'-AGTCCACTCATTCTTGGCAGGATGGCTTCTCATCGTCTGCTCCTCCTCTGCCTTGCTGGA[C>T]TGGTATTTGTGTCTGAGGCTGGCCCTACGGTGAGTGTTTCTGTGACATCCCATTCCTACA-3'
Protein context (NP_000362.1, residues 4-24): HRLLLLCLAG[Leu14=]VFVSEAGPTG